The following is an entry in ClinVar:

ClinVar aggregate classification (germline): Uncertain significance. Review status: criteria provided, multiple submitters, no conflicts (2 of 4 stars). 2 submissions from 2 submitters: Uncertain significance (2). Last evaluated 2025-12-19.

Conditions:
Developmental and epileptic encephalopathy, 27 (DEE27). Also called: GRIN2B-Related Neurodevelopmental Disorder; Epileptic encephalopathy, early infantile, 27. Identifiers: Orphanet 3451, MedGen C4015316, MONDO:0014505, OMIM 616139.
Intellectual developmental disorder, autosomal dominant 6, with or without seizures. Also called: GRIN2B-related developmental delay, intellectual disability and autism spectrum disorder; Intellectual disability, autosomal dominant 6. Identifiers: Orphanet 589547, MedGen C3151411, MONDO:0013509, OMIM 613970.

Allele frequency attached by ClinVar (database versions not stated): gnomAD 0.00001; 1000 Genomes Project 30x 0.00016; gnomAD exomes below 0.00001; ExAC 0.00001; TOPMed 0.00001; 1000 Genomes Project 0.00020.
gnomAD v4.1: 2 of 1,611,010 alleles (0.00012%); highest among the groups gnomAD compares: African/African-American, 0.0027%; no homozygotes.

Submissions (2):

Dasa
Classification: Uncertain significance. Last evaluated: 2025-12-19. Review status: criteria provided, single submitter. Criteria: DASA Assertion Criteria. Collection method: clinical testing. Allele origin: germline.
Comment: NM_000834.5(GRIN2B):c.25T>C (p.Ser9Pro) is a missense variant that results in the substitution of serine with proline. This variant is rare in population databases. The currently available literature and clinical evidence are not sufficient to establish a definitive association between this variant and the reported condition. Therefore, this variant is classified as a variant of uncertain significance.

Labcorp Genetics (formerly Invitae), Labcorp
Classification: Uncertain significance for Developmental and epileptic encephalopathy, 27; Intellectual developmental disorder, autosomal dominant 6, with or without seizures. Last evaluated: 2022-05-15. Review status: criteria provided, single submitter. Criteria: Invitae Variant Classification Sherloc (09022015). Collection method: clinical testing. Allele origin: germline.
Comment: This sequence change replaces serine, which is neutral and polar, with proline, which is neutral and non-polar, at codon 9 of the GRIN2B protein (p.Ser9Pro). This variant is present in population databases (rs560849226, gnomAD 0.007%). This variant has not been reported in the literature in individuals affected with GRIN2B-related conditions. Advanced modeling of protein sequence and biophysical properties (such as structural, functional, and spatial information, amino acid conservation, physicochemical variation, residue mobility, and thermodynamic stability) performed at Invitae indicates that this missense variant is not expected to disrupt GRIN2B protein function. In summary, the available evidence is currently insufficient to determine the role of this variant in disease. Therefore, it has been classified as a Variant of Uncertain Significance.

NM_000834.5(GRIN2B):c.25T>C (p.Ser9Pro)

Gene: GRIN2B (glutamate ionotropic receptor NMDA type subunit 2B; minus strand). Cytogenetic location: 12p13.1.
Variant type: single nucleotide variant.
Coding change: c.25T>C on transcript NM_000834.5 (MANE Select); coding-DNA position 25, T replaced by C.
Protein change: p.Ser9Pro; replaces serine 9 with proline.
Molecular consequence: missense variant.
Genome position (GRCh38, 1-based): chr12:13,866,184, A>G on the plus strand (T>C on the coding strand, the complement: GRIN2B is on the minus strand). VCF-style: chr12-13866184-A-G. GRCh37 (hg19) VCF-style: chr12-14019118-A-G.
Other names: c.25T>C, p.Ser9Pro (NM_001413992.1, NM_001413993.1, NM_001413994.1 and 1 more transcripts); short protein forms S9P.
Identifiers: ClinVar variation 1982082 (VCV001982082.6), dbSNP rs560849226, ClinGen allele CA6461474.
Genomic context (GRCh38, chr12:13,866,184, plus strand): 5'-GAGAACGAGCTCTGCTGCCTGACACGGCCAGGACGGCCAACACCAACCAGAACTTGGGAG[A>G]ACAGCACTCCGCTCTGGGCTTCATCTTCAACTCGTCGACTCCCTGCAAACACAAAGAAAG-3'
Protein context (NP_000825.2, residues 1-19): MKPRAECC[Ser9Pro]PKFWLVLAVL